The following is an entry in ClinVar:

ClinVar aggregate classification (germline): Benign/Likely benign. Review status: criteria provided, multiple submitters, no conflicts (2 of 4 stars). 10 submissions from 10 submitters: Benign (7); Likely benign (1). 2 of the submissions do not count toward it. Last evaluated 2026-02-03.

Conditions:
Dilated cardiomyopathy 1JJ (CMD1JJ). Identifiers: Orphanet 154, MedGen C3808935, MONDO:0014095, OMIM 615235.

Allele frequency attached by ClinVar (database versions not stated): 1000 Genomes Project 30x 0.01874; 1000 Genomes Project 0.01817; TOPMed 0.01562; ESP Exome Variant Server 0.01692; gnomAD 0.01544.
gnomAD v4.1: 4,561 of 1,613,886 alleles (0.28%); highest among the groups gnomAD compares: African/African-American, 5.4%; 125 homozygotes.

Submissions (10):

Labcorp Genetics (formerly Invitae), Labcorp
Classification: Benign for Dilated cardiomyopathy 1JJ. Last evaluated: 2026-02-03. Review status: criteria provided, single submitter. Criteria: Invitae Variant Classification Sherloc (09022015). Collection method: clinical testing. Allele origin: germline.

ARUP Laboratories, Molecular Genetics and Genomics, ARUP Laboratories
Classification: Benign for Dilated cardiomyopathy 1JJ. Last evaluated: 2023-11-22. Review status: criteria provided, single submitter. Criteria: ARUP Molecular Germline Variant Investigation Process 2024. Collection method: clinical testing. Allele origin: germline.

Women's Health and Genetics/Laboratory Corporation of America, LabCorp
Classification: Likely benign. Last evaluated: 2023-08-19. Review status: criteria provided, single submitter. Criteria: LabCorp Variant Classification Summary - May 2015. Collection method: clinical testing. Allele origin: germline.

Genome Diagnostics Laboratory, University Medical Center Utrecht
Classification: Benign for Dilated cardiomyopathy 1JJ. Last evaluated: 2016-04-11. Review status: criteria provided, single submitter. Criteria: ACGS Guidelines, 2013. Collection method: clinical testing. Allele origin: germline. Affected: yes. Study: VKGL Data-share Consensus.

Clinical Genetics DNA and cytogenetics Diagnostics Lab, Erasmus MC, Erasmus Medical Center
Classification: Benign for Dilated cardiomyopathy 1JJ. Last evaluated: 2015-09-21. Review status: criteria provided, single submitter. Criteria: ACGS Guidelines, 2013. Collection method: clinical testing. Allele origin: germline. Affected: yes. Study: VKGL Data-share Consensus.

GeneDx
Classification: Benign. Last evaluated: 2014-03-28. Review status: criteria provided, single submitter. Criteria: GeneDx Variant Classification (06012015). Collection method: clinical testing. Allele origin: germline. Affected: yes.
Comment: This variant is considered likely benign or benign based on one or more of the following criteria: it is a conservative change, it occurs at a poorly conserved position in the protein, it is predicted to be benign by multiple in silico algorithms, and/or has population frequency not consistent with disease.

Biesecker Lab/Clinical Genomics Section, National Institutes of Health
Classification: Benign. Last evaluated: 2013-06-24. Review status: criteria provided, single submitter. Criteria: Ng et al. (Circ Cardiovasc Genet. 2013). Collection method: research. Allele origin: unknown. Observed: 1 variant allele. Study: ClinSeq.
Comment: The study set was not selected for affection status in relation to any cancer. Pathogenicity categories were based on literature curation. See Pubmed ID:23861362 for details.

Medical sequencing

Laboratory for Molecular Medicine, Mass General Brigham Personalized Medicine
Classification: Benign. Last evaluated: 2012-04-13. Review status: criteria provided, single submitter. Criteria: LMM Criteria. Collection method: clinical testing. Allele origin: germline. Observed: 28 variant alleles.
Comment: 35/2000 chr (1000 Genomes project) - MAF=0.016

Clinical Genetics, Academic Medical Center
Classification: Benign. Review status: no assertion criteria provided. Collection method: clinical testing. Allele origin: germline. Affected: yes. Study: VKGL Data-share Consensus. Not counted in ClinVar's aggregate classification.

Joint Genome Diagnostic Labs from Nijmegen and Maastricht, Radboudumc and MUMC+
Classification: Likely benign. Review status: no assertion criteria provided. Collection method: clinical testing. Allele origin: germline. Affected: yes. Study: VKGL Data-share Consensus. Not counted in ClinVar's aggregate classification.

NM_001105206.3(LAMA4):c.4646A>G (p.Asn1549Ser)

Gene: LAMA4 (laminin subunit alpha 4; minus strand). Cytogenetic location: 6q21.
Variant type: single nucleotide variant.
Coding change: c.4646A>G on transcript NM_001105206.3 (MANE Select); coding-DNA position 4646, A replaced by G.
Protein change: p.Asn1549Ser; replaces asparagine 1549 with serine.
Molecular consequence: missense variant.
Genome position (GRCh38, 1-based): chr6:112,120,302, T>C on the plus strand (A>G on the coding strand, the complement: LAMA4 is on the minus strand). VCF-style: chr6-112120302-T-C. GRCh37 (hg19) VCF-style: chr6-112441505-T-C.
Other names: p.N1542S:AAT>AGT; c.4625A>G, p.Asn1542Ser (NM_001105207.3, NM_002290.5); short protein forms N1542S, N1549S.
Identifiers: ClinVar variation 44393 (VCV000044393.28), dbSNP rs12110554, ClinGen allele CA282390.